The following is an entry in ClinVar:

ClinVar aggregate classification (germline): Uncertain significance (1 of 4 stars; one submission).

Allele frequency attached by ClinVar (database versions not stated): TOPMed below 0.00001; gnomAD 0.00001 and 0.00003; gnomAD exomes 0.00001 and 0.00003; ExAC 0.00004; 1000 Genomes Project 30x 0.00062; 1000 Genomes Project 0.00080.

Submission:

Labcorp Genetics (formerly Invitae), Labcorp
Classification: Uncertain significance. Last evaluated: 2025-02-10. Review status: criteria provided, single submitter. Criteria: Invitae Variant Classification Sherloc (09022015). Collection method: clinical testing. Allele origin: germline.
Comment: This sequence change replaces valine, which is neutral and non-polar, with isoleucine, which is neutral and non-polar, at codon 568 of the CLCN7 protein (p.Val568Ile). This variant is present in population databases (rs554219137, gnomAD 0.01%). This variant has not been reported in the literature in individuals affected with CLCN7-related conditions. ClinVar contains an entry for this variant (Variation ID: 1423763). An algorithm developed to predict the effect of missense changes on protein structure and function (PolyPhen-2) suggests that this variant is likely to be disruptive. In summary, the available evidence is currently insufficient to determine the role of this variant in disease. Therefore, it has been classified as a Variant of Uncertain Significance.

NM_001287.6(CLCN7):c.1702G>A (p.Val568Ile)

Gene: CLCN7 (chloride voltage-gated channel 7; minus strand). Cytogenetic location: 16p13.3.
Variant type: single nucleotide variant.
Coding change: c.1702G>A on transcript NM_001287.6 (MANE Select); coding-DNA position 1702, G replaced by A.
Protein change: p.Val568Ile; replaces valine 568 with isoleucine.
Molecular consequence: missense variant.
Genome position (GRCh38, 1-based): chr16:1,449,061, C>T on the plus strand (G>A on the coding strand, the complement: CLCN7 is on the minus strand). VCF-style: chr16-1449061-C-T. GRCh37 (hg19) VCF-style: chr16-1499062-C-T.
Other names: c.1630G>A, p.Val544Ile (NM_001114331.3); short protein forms V544I, V568I.
Identifiers: ClinVar variation 1423763 (VCV001423763.6), dbSNP rs554219137, ClinGen allele CA7810102.